The following is an entry in ClinVar:

ClinVar aggregate classification (germline): Conflicting classifications of pathogenicity. Review status: criteria provided, conflicting classifications (1 of 4 stars). 4 submissions from 4 submitters: Uncertain significance (1); Benign (1); Likely benign (2). Last evaluated 2026-02-01.

Allele frequency attached by ClinVar (database versions not stated): gnomAD exomes 0.00024; ExAC 0.00029; ESP Exome Variant Server 0.00072; TOPMed 0.00083; 1000 Genomes Project 0.00100; gnomAD 0.00105; 1000 Genomes Project 30x 0.00125.
gnomAD v4.1: 318 of 1,612,696 alleles (0.02%); highest among the groups gnomAD compares: African/African-American, 0.29%; 1 homozygote.

Submissions (4):

Labcorp Genetics (formerly Invitae), Labcorp
Classification: Benign. Last evaluated: 2026-02-01. Review status: criteria provided, single submitter. Criteria: Invitae Variant Classification Sherloc (09022015). Collection method: clinical testing. Allele origin: germline.

Blueprint Genetics
Classification: Likely benign. Last evaluated: 2024-09-23. Review status: criteria provided, single submitter. Criteria: ACMG Guidelines, 2015. Collection method: clinical testing. Allele origin: germline.

GeneDx
Classification: Uncertain significance. Last evaluated: 2021-10-13. Review status: criteria provided, single submitter. Criteria: GeneDx Variant Classification Process June 2021. Collection method: clinical testing. Allele origin: germline. Affected: yes.
Comment: Has not been previously published as pathogenic or benign to our knowledge; In silico analysis, which includes splice predictors and evolutionary conservation, suggests this variant may impact gene splicing. In the absence of RNA/functional studies, the actual effect of this sequence change is unknown.

Laboratory for Molecular Medicine, Mass General Brigham Personalized Medicine
Classification: Likely benign. Last evaluated: 2012-05-07. Review status: criteria provided, single submitter. Criteria: LMM Criteria. Collection method: clinical testing. Allele origin: germline. Observed: 1 variant allele.
Comment: p.Arg955Arg in Exon 25 of CDH23: This variant is not expected to have clinical s ignificance because it does not alter an amino acid residue, is not located with in the splice consensus sequence, and has been identified in 0.2% (6/3478) of Af rican American chromosomes from a broad population by the NHLBI Exome Sequencing Project (dbSNP rs79636933).

NM_022124.6(CDH23):c.2865C>T (p.Arg955=)

Gene: CDH23 (cadherin related 23; plus strand). Cytogenetic location: 10q22.1.
Variant type: single nucleotide variant.
Coding change: c.2865C>T on transcript NM_022124.6 (MANE Select); coding-DNA position 2865, C replaced by T.
Protein change: p.Arg955=; no amino-acid change (arginine 955 retained).
Molecular consequence: synonymous variant.
Genome position (GRCh38, 1-based): chr10:71,705,042, C>T. VCF-style: chr10-71705042-C-T. GRCh37 (hg19) VCF-style: chr10-73464799-C-T.
Other names: c.2865C>T, p.Arg955= (NM_001171930.2, NM_001171931.2).
Identifiers: ClinVar variation 178601 (VCV000178601.18), dbSNP rs79636933, ClinGen allele CA182634.